The following is an entry in ClinVar:

NM_057176.3(BSND):c.290_291dup (p.Tyr98fs)

Gene: BSND (barttin CLCNK type accessory subunit beta; plus strand). Cytogenetic location: 1p32.3.
Variant type: Duplication.
Coding change: c.290_291dup on transcript NM_057176.3 (MANE Select); coding-DNA positions 290 to 291, 2 bases duplicated (CC; older notation c.290_291dupCC).
Protein change: p.Tyr98fs; shifts the reading frame from tyrosine 98.
Molecular consequence: frameshift variant.
Genome position (GRCh38, 1-based): chr1:55,007,014-55,007,015, CC duplicated; duplicating any 2 consecutive bases within chr1:55,007,013-55,007,015 gives the same sequence; the c. name uses the placement nearest the transcript's 3' end. VCF-style (leftmost placement, unchanged base first): chr1-55007012-G-GCC. GRCh37 (hg19) VCF-style: chr1-55472685-G-GCC.
Other names: short protein forms Y98fs.
Identifiers: ClinVar variation 1457051 (VCV001457051.6), dbSNP rs1557485170, ClinGen allele CA523275215.

ClinVar aggregate classification (germline): Pathogenic (1 of 4 stars; one submission).

Submission:

Labcorp Genetics (formerly Invitae), Labcorp
Classification: Pathogenic. Last evaluated: 2022-04-08. Review status: criteria provided, single submitter. Criteria: Invitae Variant Classification Sherloc (09022015). Collection method: clinical testing. Allele origin: germline.
Comment: This sequence change creates a premature translational stop signal (p.Tyr98Profs*3) in the BSND gene. It is expected to result in an absent or disrupted protein product. Loss-of-function variants in BSND are known to be pathogenic (PMID: 11687798). For these reasons, this variant has been classified as Pathogenic. This variant has not been reported in the literature in individuals affected with BSND-related conditions. This variant is present in population databases (no rsID available, gnomAD 0.007%).

Literature cited by the submitters: PubMed 11687798.